The following is an entry in ClinVar:

ClinVar aggregate classification (germline): Uncertain significance (1 of 4 stars; one submission).

gnomAD v4.1: 13 of 1,612,644 alleles (0.00081%); highest among the groups gnomAD compares: Non-Finnish European, 0.0011%; no homozygotes.

Submission:

Labcorp Genetics (formerly Invitae), Labcorp
Classification: Uncertain significance. Last evaluated: 2022-05-27. Review status: criteria provided, single submitter. Criteria: Invitae Variant Classification Sherloc (09022015). Collection method: clinical testing. Allele origin: germline.
Comment: In summary, the available evidence is currently insufficient to determine the role of this variant in disease. Therefore, it has been classified as a Variant of Uncertain Significance. Advanced modeling of protein sequence and biophysical properties (such as structural, functional, and spatial information, amino acid conservation, physicochemical variation, residue mobility, and thermodynamic stability) performed at Invitae indicates that this missense variant is not expected to disrupt COL11A2 protein function. This variant has not been reported in the literature in individuals affected with COL11A2-related conditions. This variant is present in population databases (no rsID available, gnomAD 0.0009%). This sequence change replaces aspartic acid, which is acidic and polar, with asparagine, which is neutral and polar, at codon 561 of the COL11A2 protein (p.Asp561Asn).

NM_080680.3(COL11A2):c.1681G>A (p.Asp561Asn)

Gene: COL11A2 (collagen type XI alpha 2 chain; minus strand). Cytogenetic location: 6p21.32.
Variant type: single nucleotide variant.
Coding change: c.1681G>A on transcript NM_080680.3 (MANE Select); coding-DNA position 1681, G replaced by A.
Protein change: p.Asp561Asn; replaces aspartic acid 561 with asparagine.
Molecular consequence: missense variant.
Genome position (GRCh38, 1-based): chr6:33,178,717, C>T on the plus strand (G>A on the coding strand, the complement: COL11A2 is on the minus strand). VCF-style: chr6-33178717-C-T. GRCh37 (hg19) VCF-style: chr6-33146494-C-T.
Other names: c.1360G>A, p.Asp454Asn (NM_080679.3); c.1423G>A, p.Asp475Asn (NM_080681.3); short protein forms D454N, D475N, D561N.
Identifiers: ClinVar variation 1999366 (VCV001999366.4), dbSNP rs1238092307, ClinGen allele CA363658819.